The following is an entry in ClinVar:

NM_000548.5(TSC2):c.339C>T (p.Gly113=)

Gene: TSC2 (TSC complex subunit 2; plus strand). Cytogenetic location: 16p13.3.
Variant type: single nucleotide variant.
Coding change: c.339C>T on transcript NM_000548.5 (MANE Select); coding-DNA position 339, C replaced by T.
Protein change: p.Gly113=; no amino-acid change (glycine 113 retained).
Molecular consequence: synonymous variant. On other transcripts: intron variant (1).
Genome position (GRCh38, 1-based): chr16:2,054,298, C>T. VCF-style: chr16-2054298-C-T. GRCh37 (hg19) VCF-style: chr16-2104299-C-T.
Other names: p.G113G:GGC>GGT; c.339C>T, p.Gly113= (NM_001077183.3, NM_001114382.3, NM_001363528.2 and 3 more transcripts); c.228C>T, p.Gly76= (NM_001318827.2); c.192C>T, p.Gly64= (NM_001318829.2); c.372C>T, p.Gly124= (NM_001318832.2); c.-1-1898C>T (NM_001318831.2); c.339C>T (NM_000548.4).
Identifiers: ClinVar variation 207699 (VCV000207699.19), dbSNP rs368451664, ClinGen allele CA046718.

ClinVar aggregate classification (germline): Conflicting classifications of pathogenicity. Review status: criteria provided, conflicting classifications (1 of 4 stars). 7 submissions from 7 submitters: Uncertain significance (1); Benign (3); Likely benign (3). Last evaluated 2025-10-02.

Conditions:
TSC2-related disorder. Also called: TSC2-Related Disorders; TSC2-related condition.
Hereditary cancer-predisposing syndrome. Also called: Hereditary Cancer Syndrome; Neoplastic Syndromes, Hereditary; Tumor predisposition; Hereditary neoplastic syndrome. Identifiers: Orphanet 140162, MedGen C0027672, MeSH D009386, MONDO:0015356.
Tuberous sclerosis 2 (TSC2). Identifiers: Orphanet 805, MedGen C1860707, MONDO:0013199, OMIM 613254.

Allele frequency attached by ClinVar (database versions not stated): gnomAD exomes below 0.00001; ExAC 0.00001; TOPMed 0.00002; ESP Exome Variant Server 0.00008.

Submissions (7):

Labcorp Genetics (formerly Invitae), Labcorp
Classification: Benign for Tuberous sclerosis 2. Last evaluated: 2025-10-02. Review status: criteria provided, single submitter. Criteria: Invitae Variant Classification Sherloc (09022015). Collection method: clinical testing. Allele origin: germline.

Myriad Genetics, Inc.
Classification: Benign for Tuberous sclerosis 2. Last evaluated: 2025-05-02. Review status: criteria provided, single submitter. Criteria: Myriad Autosomal Dominant, Autosomal Recessive and X-Linked Classification Criteria (2023). Collection method: clinical testing. Allele origin: unknown.
Comment: This variant is considered benign. This variant is a silent/synonymous amino acid change and it is not expected to impact splicing.

PreventionGenetics, part of Exact Sciences
Classification: Likely benign for TSC2-related condition. Last evaluated: 2025-02-11. Review status: criteria provided, single submitter. Criteria: ACMG Guidelines, 2015. Collection method: clinical testing. Allele origin: germline.
Comment: This variant is classified as likely benign based on ACMG/AMP sequence variant interpretation guidelines (Richards et al. 2015 PMID: 25741868, with internal and published modifications).

Ambry Genetics
Classification: Likely benign for Hereditary cancer-predisposing syndrome. Last evaluated: 2022-09-13. Review status: criteria provided, single submitter. Criteria: Ambry Variant Classification Scheme 2023. Collection method: clinical testing. Allele origin: germline.

Genome-Nilou Lab
Classification: Benign for Tuberous sclerosis 2. Last evaluated: 2021-11-07. Review status: criteria provided, single submitter. Criteria: ACMG Guidelines, 2015. Collection method: clinical testing. Allele origin: germline. Affected: no.

Sema4
Classification: Uncertain significance for Hereditary cancer-predisposing syndrome. Last evaluated: 2021-07-30. Review status: criteria provided, single submitter. Criteria: Sema4 Curation Guidelines. Collection method: curation. Allele origin: germline.
Comment: The TSC2 c.339C>T (p.G113=) variant has not been reported in literature to our knowledge. This variant was observed in 1/251464 chromosomes in the large and broad cohorts of the Genome Aggregation Database (PMID: 32461654). This variant has been reported in ClinVar (Variation ID 207699). Computational tools suggest a creation of new splice donor site, but this prediction has not been confirmed by functional studies. The overall evidence is insufficient to meet ACMG/AMP criteria for classifying it as benign or pathogenic. In summary, the clinical significance of this variant is currently uncertain.

GeneDx
Classification: Likely benign. Last evaluated: 2014-05-20. Review status: criteria provided, single submitter. Criteria: GeneDx Variant Classification (06012015). Collection method: clinical testing. Allele origin: germline. Affected: yes.
Comment: This variant is considered likely benign or benign based on one or more of the following criteria: it is a conservative change, it occurs at a poorly conserved position in the protein, it is predicted to be benign by multiple in silico algorithms, and/or has population frequency not consistent with disease.